The following is an entry in ClinVar:

ClinVar aggregate classification (germline): Uncertain significance (1 of 4 stars; one submission).

Conditions:
Congenital heart disease (CHD). Identifiers: MedGen C0152021, MONDO:0005453. Disease mechanism: unknown.

Submission:

Embryology Laboratory, Victor Chang Cardiac Research Institute
Classification: Uncertain significance for Congenital heart disease. Last evaluated: 2025-07-01. Review status: criteria provided, single submitter. Criteria: ACMG Guidelines, 2015. Collection method: research. Allele origin: de novo. Inheritance: Sporadic. Affected: yes. Observed: 1 variant allele.
Comment: The c.1081A.G (p.N361D) variant occurs de novo within SMAD5 MH2 domain and is absent from the gnomAD database. The change from Asparagine to Aspartate is predicted to impact co-factor interaction with SMAD5. At time of submission, SMAD5 variants are not associated with congenital heart defects, therefore the clinical significance of this variant cannot be assessed.

NM_005903.7(SMAD5):c.1081A>G (p.Asn361Asp)

Gene: SMAD5 (SMAD family member 5; plus strand). Cytogenetic location: 5q31.1.
Variant type: single nucleotide variant.
Coding change: c.1081A>G on transcript NM_005903.7 (MANE Select); coding-DNA position 1081, A replaced by G.
Protein change: p.Asn361Asp; replaces asparagine 361 with aspartic acid.
Molecular consequence: missense variant.
Genome position (GRCh38, 1-based): chr5:136,174,459, A>G. VCF-style: chr5-136174459-A-G. GRCh37 (hg19) VCF-style: chr5-135510148-A-G.
Other names: c.1081A>G, p.Asn361Asp (NM_001001419.3, NM_001001420.3); short protein forms N361D.
Identifiers: ClinVar variation 4076948 (VCV004076948.1).
Genomic context (GRCh38, chr5:136,174,459, plus strand): 5'-GGAGAGGTGTATGCGGAATGCCTCAGTGACAGCAGCATATTTGTACAGAGTAGGAACTGC[A>G]ACTTTCATCATGGCTTTCATCCCACCACTGTCTGTAAGATTCCCAGCAGCTGCAGCCTCA-3'
Protein context (NP_005894.3, residues 351-371): SSIFVQSRNC[Asn361Asp]FHHGFHPTTV